The following is an entry in ClinVar:

ClinVar aggregate classification (germline): Uncertain significance (1 of 4 stars; one submission).

Conditions:
Cardiovascular phenotype. Identifiers: MedGen CN230736.

Allele frequency attached by ClinVar (database versions not stated): TOPMed below 0.00001.
gnomAD v4.1: 2 of 1,469,058 alleles (0.00014%); highest among the groups gnomAD compares: Non-Finnish European, 0.000089%; no homozygotes.

Submission:

Ambry Genetics
Classification: Uncertain significance for Cardiovascular phenotype. Last evaluated: 2024-02-16. Review status: criteria provided, single submitter. Criteria: Ambry Variant Classification Scheme 2023. Collection method: clinical testing. Allele origin: germline.
Comment: The p.R1026P variant (also known as c.3077G>C), located in coding exon 1 of the ZNF469 gene, results from a G to C substitution at nucleotide position 3077. The arginine at codon 1026 is replaced by proline, an amino acid with dissimilar properties. This amino acid position is conserved. In addition, this alteration is predicted to be tolerated by in silico analysis. Since supporting evidence is limited at this time, the clinical significance of this alteration remains unclear.

NM_001367624.2(ZNF469):c.3077G>C (p.Arg1026Pro)

Gene: ZNF469 (zinc finger protein 469; plus strand). Cytogenetic location: 16q24.2.
Variant type: single nucleotide variant.
Coding change: c.3077G>C on transcript NM_001367624.2 (MANE Select); coding-DNA position 3077, G replaced by C.
Protein change: p.Arg1026Pro; replaces arginine 1026 with proline.
Molecular consequence: missense variant.
Genome position (GRCh38, 1-based): chr16:88,430,547, G>C. VCF-style: chr16-88430547-G-C. GRCh37 (hg19) VCF-style: chr16-88496955-G-C.
Other names: NM_001127464.1:c.3077G>C; short protein forms R1026P.
Identifiers: ClinVar variation 1727320 (VCV001727320.2), dbSNP rs898385117, ClinGen allele CA286374403.